The following is an entry in ClinVar:

NM_002528.7(NTHL1):c.74G>T (p.Arg25Met)

Gene: NTHL1 (nth like DNA glycosylase 1; minus strand). Cytogenetic location: 16p13.3.
Variant type: single nucleotide variant.
Coding change: c.74G>T on transcript NM_002528.7 (MANE Select); coding-DNA position 74, G replaced by T.
Protein change: p.Arg25Met; replaces arginine 25 with methionine.
Molecular consequence: missense variant. On other transcripts: 5 prime UTR variant (1).
Genome position (GRCh38, 1-based): chr16:2,047,750, C>A on the plus strand (G>T on the coding strand, the complement: NTHL1 is on the minus strand). VCF-style: chr16-2047750-C-A. GRCh37 (hg19) VCF-style: chr16-2097751-C-A.
Other names: c.74G>T, p.Arg25Met (NM_001318193.2); c.-105G>T (NM_001318194.2); short protein forms R25M.
Identifiers: ClinVar variation 952530 (VCV000952530.8), dbSNP rs2302172, ClinGen allele CA394298372.
Genomic context (GRCh38, chr16:2,047,750, plus strand): 5'-AGCCACGGCGCGGCGCTACCTGCTGCAGCCTCTCTTCTCCGGAGAGGCCCGGGCTCCTCC[C>A]TACACCCCCGCGGCCCAGCCCCGGGTCCCAGGCTCCGGCTCCGGGTCAGCATCCTCGCGC-3'
Protein context (NP_002519.2, residues 15-35): LGPGAGPRGC[Arg25Met]EEPGPLRRRE

ClinVar aggregate classification (germline): Uncertain significance (1 of 4 stars; one submission).

Submission:

Labcorp Genetics (formerly Invitae), Labcorp
Classification: Uncertain significance. Last evaluated: 2019-05-08. Review status: criteria provided, single submitter. Criteria: Invitae Variant Classification Sherloc (09022015). Collection method: clinical testing. Allele origin: germline.
Comment: In summary, the available evidence is currently insufficient to determine the role of this variant in disease. Therefore, it has been classified as a Variant of Uncertain Significance. Algorithms developed to predict the effect of missense changes on protein structure and function are either unavailable or do not agree on the potential impact of this missense change (SIFT: "Not Available"; PolyPhen-2: "Benign"; Align-GVGD: "Not Available"). This variant has not been reported in the literature in individuals with NTHL1-related conditions. This variant is not present in population databases (ExAC no frequency). This sequence change replaces arginine with methionine at codon 33 of the NTHL1 protein (p.Arg33Met). The arginine residue is weakly conserved and there is a moderate physicochemical difference between arginine and methionine.